The following is an entry in ClinVar:

NM_000138.5(FBN1):c.4984A>T (p.Thr1662Ser)

Gene: FBN1 (fibrillin 1; minus strand). Cytogenetic location: 15q21.1.
Variant type: single nucleotide variant.
Coding change: c.4984A>T on transcript NM_000138.5 (MANE Select); coding-DNA position 4984, A replaced by T.
Protein change: p.Thr1662Ser; replaces threonine 1662 with serine.
Molecular consequence: missense variant.
Genome position (GRCh38, 1-based): chr15:48,463,980, T>A on the plus strand (A>T on the coding strand, the complement: FBN1 is on the minus strand). VCF-style: chr15-48463980-T-A. GRCh37 (hg19) VCF-style: chr15-48756177-T-A.
Other names: short protein forms T1662S.
Identifiers: ClinVar variation 495615 (VCV000495615.7), dbSNP rs1471557498, ClinGen allele CA392350240.
Genomic context (GRCh38, chr15:48,463,980, plus strand): 5'-TCACTTGCATGTAGTCTGGAGGACAGATACAGGTGTAGTTGCCAACGGTGTTGTAACATG[T>A]CCCTGGACCACAGATTCCAGGAGTCTCACATTCATTCACATCTATAATCCAAAGAGAAAG-3'
Protein context (NP_000129.3, residues 1652-1672): CETPGICGPG[Thr1662Ser]CYNTVGNYTC

ClinVar aggregate classification (germline): Uncertain significance. Review status: criteria provided, multiple submitters, no conflicts (2 of 4 stars). 4 submissions from 4 submitters: Uncertain significance (4). Last evaluated 2026-07-07.

Conditions:
Marfan syndrome (MFS). Also called: FBN1-Related Marfan Syndrome; Marfan's syndrome; MARFAN SYNDROME, TYPE I; Marfan syndrome, classic; Marfan syndrome type 1. Identifiers: Orphanet 284963, Orphanet 558, MedGen C0024796, MONDO:0007947, OMIM 154700.
Familial thoracic aortic aneurysm and aortic dissection (TAAD). Also called: Thoracic aortic aneurysms and dissections. Identifiers: Orphanet 91387, MedGen C4707243, MONDO:0019625.

Allele frequency attached by ClinVar (database versions not stated): gnomAD exomes below 0.00001.
gnomAD v4.1: 1 of 1,613,616 alleles (0.000062%); highest among the groups gnomAD compares: Admixed American, 0.0017%; no homozygotes.

Submissions (4):

Ambry Genetics
Classification: Uncertain significance for Familial thoracic aortic aneurysm and aortic dissection. Last evaluated: 2026-07-07. Review status: criteria provided, single submitter. Criteria: Ambry Variant Classification Scheme 2023. Collection method: clinical testing. Allele origin: germline.
Comment: The p.T1662S variant (also known as c.4984A>T), located in coding exon 40 of the FBN1 gene, results from an A to T substitution at nucleotide position 4984. The threonine at codon 1662 is replaced by serine, an amino acid with similar properties. This amino acid position is conserved. In addition, the in silico prediction for this alteration is inconclusive. Based on the available evidence, the clinical significance of this variant remains unclear.

Color Diagnostics, LLC DBA Color Health
Classification: Uncertain significance for Familial thoracic aortic aneurysm and aortic dissection. Last evaluated: 2024-01-04. Review status: criteria provided, single submitter. Criteria: ACMG Guidelines, 2015. Collection method: clinical testing. Allele origin: germline.
Comment: This missense variant replaces threonine with serine at codon 1662 of the FBN1 protein. Computational prediction is inconclusive regarding the impact of this variant on protein structure and function (internally defined REVEL score threshold 0.5 < inconclusive < 0.7, PMID: 27666373). To our knowledge, functional studies have not been reported for this variant. This variant has not been reported in individuals affected with FBN1-related disorders in the literature. This variant has been identified in 1/251200 chromosomes in the general population by the Genome Aggregation Database (gnomAD). The available evidence is insufficient to determine the role of this variant in disease conclusively. Therefore, this variant is classified as a Variant of Uncertain Significance.

Labcorp Genetics (formerly Invitae), Labcorp
Classification: Uncertain significance for Marfan syndrome; Familial thoracic aortic aneurysm and aortic dissection. Last evaluated: 2023-03-17. Review status: criteria provided, single submitter. Criteria: Invitae Variant Classification Sherloc (09022015). Collection method: clinical testing. Allele origin: germline.
Comment: In summary, the available evidence is currently insufficient to determine the role of this variant in disease. Therefore, it has been classified as a Variant of Uncertain Significance. Advanced modeling of protein sequence and biophysical properties (such as structural, functional, and spatial information, amino acid conservation, physicochemical variation, residue mobility, and thermodynamic stability) has been performed at Invitae for this missense variant, however the output from this modeling did not meet the statistical confidence thresholds required to predict the impact of this variant on FBN1 protein function. ClinVar contains an entry for this variant (Variation ID: 495615). This variant has not been reported in the literature in individuals affected with FBN1-related conditions. This variant is present in population databases (no rsID available, gnomAD no frequency). This sequence change replaces threonine, which is neutral and polar, with serine, which is neutral and polar, at codon 1662 of the FBN1 protein (p.Thr1662Ser).

Women's Health and Genetics/Laboratory Corporation of America, LabCorp
Classification: Uncertain significance. Last evaluated: 2016-12-19. Review status: criteria provided, single submitter. Criteria: LabCorp Variant Classification Summary - May 2015. Collection method: clinical testing. Allele origin: germline.
Comment: Variant summary: The FBN1 c.4984A>T (p.Thr1662Ser) variant involves the alteration of a conserved nucleotide and is located in EGF-like 28 domain. 2/4 in silico tools predict a benign outcome for this variant. This variant is absent in 120642 control chromosomes from ExAC. The variant of interest has not, to our knowledge, been reported in affected individuals in literature and reputable databases/clinical diagnostic laboratories. However, the variant was identified in a sample tested positive for FBN1 p.Trp2092X, strongly supporting for non-pathogenicity. Due to the lack of the clinical information on the carrier and phase for p.W2092*, this variant is currently classified as VUS untill new data becomes available.